The following is an entry in ClinVar:

NM_007254.4(PNKP):c.1400C>A (p.Thr467Lys)

Gene: PNKP (polynucleotide kinase 3'-phosphatase; minus strand). Cytogenetic location: 19q13.33.
Variant type: single nucleotide variant.
Coding change: c.1400C>A on transcript NM_007254.4 (MANE Select); coding-DNA position 1400, C replaced by A.
Protein change: p.Thr467Lys; replaces threonine 467 with lysine.
Molecular consequence: missense variant.
Genome position (GRCh38, 1-based): chr19:49,861,497, G>T on the plus strand (C>A on the coding strand, the complement: PNKP is on the minus strand). VCF-style: chr19-49861497-G-T. GRCh37 (hg19) VCF-style: chr19-50364754-G-T.
Other names: short protein forms T467K.
Identifiers: ClinVar variation 848728 (VCV000848728.11), dbSNP rs769109631, ClinGen allele CA9586388.

ClinVar aggregate classification (germline): Uncertain significance. Review status: criteria provided, multiple submitters, no conflicts (2 of 4 stars). 2 submissions from 2 submitters: Uncertain significance (2). Last evaluated 2024-01-29.

Conditions:
Developmental and epileptic encephalopathy, 12 (DEE12). Identifiers: MedGen C3150988, MONDO:0013389, OMIM 613722.

Allele frequency attached by ClinVar (database versions not stated): ExAC 0.00001.

Submissions (2):

Labcorp Genetics (formerly Invitae), Labcorp
Classification: Uncertain significance for Developmental and epileptic encephalopathy, 12. Last evaluated: 2024-01-29. Review status: criteria provided, single submitter. Criteria: Invitae Variant Classification Sherloc (09022015). Collection method: clinical testing. Allele origin: germline.
Comment: This sequence change replaces threonine, which is neutral and polar, with lysine, which is basic and polar, at codon 467 of the PNKP protein (p.Thr467Lys). This variant is not present in population databases (gnomAD no frequency). This variant has not been reported in the literature in individuals affected with PNKP-related conditions. ClinVar contains an entry for this variant (Variation ID: 848728). Advanced modeling of protein sequence and biophysical properties (such as structural, functional, and spatial information, amino acid conservation, physicochemical variation, residue mobility, and thermodynamic stability) performed at Invitae indicates that this missense variant is not expected to disrupt PNKP protein function with a negative predictive value of 80%. In summary, the available evidence is currently insufficient to determine the role of this variant in disease. Therefore, it has been classified as a Variant of Uncertain Significance.

Blueprint Genetics
Classification: Uncertain significance. Last evaluated: 2019-12-16. Review status: criteria provided, single submitter. Criteria: ACMG Guidelines, 2015. Collection method: clinical testing. Allele origin: germline.